The following is an entry in ClinVar:

ClinVar aggregate classification (germline): Uncertain significance (1 of 4 stars; one submission).

Allele frequency attached by ClinVar (database versions not stated): gnomAD exomes below 0.00001; TOPMed below 0.00001; ExAC 0.00001; gnomAD 0.00001.
gnomAD v4.1: 6 of 1,610,158 alleles (0.00037%); highest among the groups gnomAD compares: Non-Finnish European, 0.00051%; no homozygotes.

Submission:

Labcorp Genetics (formerly Invitae), Labcorp
Classification: Uncertain significance. Last evaluated: 2024-03-04. Review status: criteria provided, single submitter. Criteria: Invitae Variant Classification Sherloc (09022015). Collection method: clinical testing. Allele origin: germline.
Comment: This sequence change replaces valine, which is neutral and non-polar, with isoleucine, which is neutral and non-polar, at codon 445 of the FAR1 protein (p.Val445Ile). This variant is present in population databases (rs767582509, gnomAD 0.0009%). This variant has not been reported in the literature in individuals affected with FAR1-related conditions. ClinVar contains an entry for this variant (Variation ID: 1477587). Advanced modeling of protein sequence and biophysical properties (such as structural, functional, and spatial information, amino acid conservation, physicochemical variation, residue mobility, and thermodynamic stability) performed at Invitae indicates that this missense variant is not expected to disrupt FAR1 protein function with a negative predictive value of 80%. In summary, the available evidence is currently insufficient to determine the role of this variant in disease. Therefore, it has been classified as a Variant of Uncertain Significance.

NM_032228.6(FAR1):c.1333G>A (p.Val445Ile)

Gene: FAR1 (fatty acyl-CoA reductase 1; plus strand). Cytogenetic location: 11p15.3.
Variant type: single nucleotide variant.
Coding change: c.1333G>A on transcript NM_032228.6 (MANE Select); coding-DNA position 1333, G replaced by A.
Protein change: p.Val445Ile; replaces valine 445 with isoleucine.
Molecular consequence: missense variant.
Genome position (GRCh38, 1-based): chr11:13,727,631, G>A. VCF-style: chr11-13727631-G-A. GRCh37 (hg19) VCF-style: chr11-13749178-G-A.
Other names: short protein forms V445I.
Identifiers: ClinVar variation 1477587 (VCV001477587.6), dbSNP rs767582509, ClinGen allele CA5893530.